The following is an entry in ClinVar:

ClinVar aggregate classification (germline): Uncertain significance (1 of 4 stars; one submission).

Conditions:
Charcot-Marie-Tooth disease, type I (CMT1). Also called: Charcot-Marie-Tooth disease type 1; Charcot-Marie-Tooth, Type 1. Identifiers: Orphanet 65753, MedGen C0751036, MONDO:0019011.

Submission:

Labcorp Genetics (formerly Invitae), Labcorp
Classification: Uncertain significance for Charcot-Marie-Tooth disease, type I. Last evaluated: 2022-06-07. Review status: criteria provided, single submitter. Criteria: Invitae Variant Classification Sherloc (09022015). Collection method: clinical testing. Allele origin: germline.
Comment: This sequence change replaces threonine, which is neutral and polar, with isoleucine, which is neutral and non-polar, at codon 387 of the EGR2 protein (p.Thr387Ile). In summary, the available evidence is currently insufficient to determine the role of this variant in disease. Therefore, it has been classified as a Variant of Uncertain Significance. Algorithms developed to predict the effect of missense changes on protein structure and function are either unavailable or do not agree on the potential impact of this missense change (SIFT: "Not Available"; PolyPhen-2: "Probably Damaging"; Align-GVGD: "Not Available"). This variant has not been reported in the literature in individuals affected with EGR2-related conditions. This variant is not present in population databases (gnomAD no frequency).

NM_000399.5(EGR2):c.1160C>T (p.Thr387Ile)

Gene: EGR2 (early growth response 2; minus strand). Cytogenetic location: 10q21.3.
Variant type: single nucleotide variant.
Coding change: c.1160C>T on transcript NM_000399.5 (MANE Select); coding-DNA position 1160, C replaced by T.
Protein change: p.Thr387Ile; replaces threonine 387 with isoleucine.
Molecular consequence: missense variant.
Genome position (GRCh38, 1-based): chr10:62,813,478, G>A on the plus strand (C>T on the coding strand, the complement: EGR2 is on the minus strand). VCF-style: chr10-62813478-G-A. GRCh37 (hg19) VCF-style: chr10-64573238-G-A.
Other names: c.1160C>T, p.Thr387Ile (NM_001136177.3, NM_001136178.2); c.1010C>T, p.Thr337Ile (NM_001136179.3, NM_001321037.2); c.1199C>T, p.Thr400Ile (NM_001410931.1); short protein forms T337I, T387I, T400I.
Identifiers: ClinVar variation 2002993 (VCV002002993.4), dbSNP rs281865139, ClinGen allele CA377027462.
Genomic context (GRCh38, chr10:62,813,478, plus strand): 5'-AACTTTCGGCCACAGTAGTCACAGGCGAAGGGCTTCTCACCGGTGTGGGTGCGGATATGG[G>A]TGGTGAGGTGGTCACTGCGGCTGAAGTTGCGCATGCAGATCCGACACTGGAAGGGCTTAT-3'
Protein context (NP_000390.2, residues 377-397): RNFSRSDHLT[Thr387Ile]HIRTHTGEKP